The following is an entry in ClinVar:

NM_001830.4(CLCN4):c.1273C>T (p.Pro425Ser)

Gene: CLCN4 (chloride voltage-gated channel 4; plus strand). Cytogenetic location: Xp22.2.
Variant type: single nucleotide variant.
Coding change: c.1273C>T on transcript NM_001830.4 (MANE Select); coding-DNA position 1273, C replaced by T.
Protein change: p.Pro425Ser; replaces proline 425 with serine.
Molecular consequence: missense variant.
Genome position (GRCh38, 1-based): chrX:10,208,474, C>T. VCF-style: chrX-10208474-C-T. GRCh37 (hg19) VCF-style: chrX-10176514-C-T.
Other names: c.991C>T, p.Pro331Ser (NM_001256944.2); short protein forms P331S, P425S.
Identifiers: ClinVar variation 3365297 (VCV003365297.1).
Genomic context (GRCh38, chrX:10,208,474, plus strand): 5'-TGTGGAGCCCTTGAGTCTTCCCAGCTCTGTGACTACATCAATGACCCCAACATGACTCGG[C>T]CTGTGGATGACATTCCAGACCGGCCGGCTGGTGTCGGTGTTTACACGGCCATGTGGCAGC-3'
Protein context (NP_001821.2, residues 415-435): DYINDPNMTR[Pro425Ser]VDDIPDRPAG

ClinVar aggregate classification (germline): Uncertain significance (1 of 4 stars; one submission).

Submission:

GeneDx
Classification: Uncertain significance. Last evaluated: 2023-12-08. Review status: criteria provided, single submitter. Criteria: GeneDx Variant Classification Process June 2021. Collection method: clinical testing. Allele origin: germline. Affected: yes.
Comment: Not observed at significant frequency in large population cohorts (gnomAD); In silico analysis supports that this missense variant does not alter protein structure/function; Has not been previously published as pathogenic or benign to our knowledge